The following is an entry in ClinVar:

NM_004333.6(BRAF):c.1897T>C (p.Tyr633His)

Gene: BRAF (B-Raf proto-oncogene, serine/threonine kinase; minus strand). Cytogenetic location: 7q34.
Variant type: single nucleotide variant.
Coding change: c.1897T>C on transcript NM_004333.6 (MANE Select); coding-DNA position 1897, T replaced by C.
Protein change: p.Tyr633His; replaces tyrosine 633 with histidine.
Molecular consequence: missense variant.
Genome position (GRCh38, 1-based): chr7:140,749,382, A>G on the plus strand (T>C on the coding strand, the complement: BRAF is on the minus strand). VCF-style: chr7-140749382-A-G. GRCh37 (hg19) VCF-style: chr7-140449182-A-G.
Other names: p.Tyr633His; c.1906T>C, p.Tyr636His (NM_001378467.1); c.1897T>C, p.Tyr633His (NM_001378468.1, NM_001378474.1, NM_001354609.2); c.1831T>C, p.Tyr611His (NM_001378469.1); c.1795T>C, p.Tyr599His (NM_001378470.1); c.1786T>C, p.Tyr596His (NM_001378471.1); c.1741T>C, p.Tyr581His (NM_001378472.1, NM_001378473.1); c.1633T>C, p.Tyr545His (NM_001378475.1); and 1 more; short protein forms Y545H, Y581H, Y596H, Y599H, Y611H, Y633H, Y636H, Y673H.
Identifiers: ClinVar variation 1319116 (VCV001319116.11), dbSNP rs746010267, ClinGen allele CA168044561.
Genomic context (GRCh38, chr7:140,749,382, plus strand): 5'-GTCCAGTCATCAATTCATACAGAACAATTCCAAATGCATATACATCTGACTGAAAGCTGT[A>G]TGGATTTTTATCTTGCATTCTGATGACTTCTGGTGCCTGTTAGAACATACAAAGAAAAAT-3'
Protein context (NP_004324.2, residues 623-643): EVIRMQDKNP[Tyr633His]SFQSDVYAFG

ClinVar aggregate classification (germline): Uncertain significance. Review status: criteria provided, multiple submitters, no conflicts (2 of 4 stars). 4 submissions from 4 submitters: Uncertain significance (4). Last evaluated 2026-01-21.

Conditions:
RASopathy. Also called: rasopathies; Noonan spectrum disorder. Identifiers: Orphanet 536391, MedGen C5555857, MONDO:0021060.
Colorectal cancer. Also called: Colorectal cancer, somatic; Malignant Colorectal Neoplasm. Identifiers: MedGen C0346629, MONDO:0005575, OMIM 114500.
Lung cancer. Also called: Malignant tumor of lung; Lung cancer, somatic. Identifiers: MedGen C0242379, MONDO:0008903, OMIM 211980.
Cardiofaciocutaneous syndrome 1 (CFC1). Also called: BRAF-Related Cardiofaciocutaneous Syndrome; MAP2K1-Related Cardiofaciocutaneous Syndrome; KRAS-Related Cardiofaciocutaneous Syndrome; MAP2K2-Related Cardiofaciocutaneous Syndrome. Identifiers: Orphanet 1340, MedGen CN029449, MONDO:0007265, OMIM 115150. Disease mechanism: gain of function.
Melanoma, cutaneous malignant, susceptibility to, 1 (CMM1). Also called: MELANOMA, MALIGNANT; DYSPLASTIC NEVUS SYNDROME, HEREDITARY; FAMILIAL ATYPICAL MOLE-MALIGNANT MELANOMA SYNDROME; B-K MOLE SYNDROME. Identifiers: Orphanet 618, MedGen C1835047, MONDO:0007963, OMIM 155600.
Noonan syndrome 7 (NS7). Also called: BRAF-Related Noonan Syndrome. Identifiers: Orphanet 648, MedGen C3150970, MONDO:0013379, OMIM 613706.
LEOPARD syndrome 3 (LPRD3). Identifiers: Orphanet 500, MedGen C3150971, MONDO:0013380, OMIM 613707.

Allele frequency attached by ClinVar (database versions not stated): gnomAD exomes below 0.00001.
gnomAD v4.1: 3 of 1,613,202 alleles (0.00019%); highest among the groups gnomAD compares: Non-Finnish European, 0.00025%; no homozygotes.

Submissions (4):

Labcorp Genetics (formerly Invitae), Labcorp
Classification: Uncertain significance for RASopathy. Last evaluated: 2026-01-21. Review status: criteria provided, single submitter. Criteria: Invitae Variant Classification Sherloc (09022015). Collection method: clinical testing. Allele origin: germline.
Comment: This sequence change replaces tyrosine, which is neutral and polar, with histidine, which is basic and polar, at codon 633 of the BRAF protein (p.Tyr633His). This variant is not present in population databases (gnomAD no frequency). This missense change has been observed in individual(s) with BRAF-related conditions (PMID: 37123657). ClinVar contains an entry for this variant (Variation ID: 1319116). Invitae Evidence Modeling of protein sequence and biophysical properties (such as structural, functional, and spatial information, amino acid conservation, physicochemical variation, residue mobility, and thermodynamic stability) indicates that this missense variant is not expected to disrupt BRAF protein function with a negative predictive value of 80%. In summary, the available evidence is currently insufficient to determine the role of this variant in disease. Therefore, it has been classified as a Variant of Uncertain Significance.

Mayo Clinic Laboratories, Mayo Clinic
Classification: Uncertain significance. Last evaluated: 2025-09-23. Review status: criteria provided, single submitter. Criteria: ACMG Guidelines, 2015. Collection method: clinical testing. Allele origin: germline. Observed: 1 variant allele.
Comment: PP2, PP3, PM2_supporting

Institute for Clinical Genetics, University Hospital TU Dresden, University Hospital TU Dresden
Classification: Uncertain significance. Last evaluated: 2021-11-03. Review status: criteria provided, single submitter. Criteria: ACMG Guidelines, 2015. Collection method: clinical testing. Allele origin: germline.

Center for Genomics, Ann and Robert H. Lurie Children's Hospital of Chicago
Classification: Uncertain significance for Melanoma, cutaneous malignant, susceptibility to, 1; LEOPARD syndrome 3; Cardiofaciocutaneous syndrome 1; Lung cancer; Noonan syndrome 7; Colorectal cancer. Review status: criteria provided, single submitter. Criteria: ACMG Guidelines, 2015. Collection method: clinical testing. Allele origin: germline.
Comment: BRAF NM_004333.5 exon 16 p.Tyr633His (c.1897T>C): This variant has not been reported in the literature and is not present in large control databases. Evolutionary conservation and computational predictive tools suggest that this variant may impact the protein. In summary, data on this variant is insufficient for disease classification. Therefore, the clinical significance of this variant is uncertain.

Literature cited by the submitters: PubMed 37123657 (cited by Labcorp Genetics (formerly Invitae), Labcorp and Mayo Clinic Laboratories, Mayo Clinic).